The following is an entry in ClinVar:

ClinVar aggregate classification (germline): Uncertain significance. Review status: criteria provided, multiple submitters, no conflicts (2 of 4 stars). 2 submissions from 2 submitters: Uncertain significance (2). Last evaluated 2023-05-01.

Conditions:
Hereditary cancer-predisposing syndrome. Also called: Tumor predisposition; Hereditary Cancer Syndrome; Neoplastic Syndromes, Hereditary; Hereditary neoplastic syndrome. Identifiers: Orphanet 140162, MedGen C0027672, MeSH D009386, MONDO:0015356.

Submissions (2):

Labcorp Genetics (formerly Invitae), Labcorp
Classification: Uncertain significance. Last evaluated: 2023-05-01. Review status: criteria provided, single submitter. Criteria: Invitae Variant Classification Sherloc (09022015). Collection method: clinical testing. Allele origin: germline.
Comment: This sequence change replaces valine, which is neutral and non-polar, with leucine, which is neutral and non-polar, at codon 92 of the HOXB13 protein (p.Val92Leu). This variant is not present in population databases (gnomAD no frequency). This variant has not been reported in the literature in individuals affected with HOXB13-related conditions. ClinVar contains an entry for this variant (Variation ID: 1795543). Advanced modeling of protein sequence and biophysical properties (such as structural, functional, and spatial information, amino acid conservation, physicochemical variation, residue mobility, and thermodynamic stability) performed at Invitae indicates that this missense variant is not expected to disrupt HOXB13 protein function. In summary, the available evidence is currently insufficient to determine the role of this variant in disease. Therefore, it has been classified as a Variant of Uncertain Significance.

Ambry Genetics
Classification: Uncertain significance for Hereditary cancer-predisposing syndrome. Last evaluated: 2020-03-02. Review status: criteria provided, single submitter. Criteria: Ambry Variant Classification Scheme 2023. Collection method: clinical testing. Allele origin: germline.
Comment: The p.V92L variant (also known as c.274G>C), located in coding exon 1 of the HOXB13 gene, results from a G to C substitution at nucleotide position 274. The valine at codon 92 is replaced by leucine, an amino acid with highly similar properties. This amino acid position is not well conserved in available vertebrate species. In addition, this alteration is predicted to be tolerated by in silico analysis. Since supporting evidence is limited at this time, the clinical significance of this alteration remains unclear.

NM_006361.6(HOXB13):c.274G>C (p.Val92Leu)

Gene: HOXB13 (homeobox B13; minus strand). Cytogenetic location: 17q21.32.
Variant type: single nucleotide variant.
Coding change: c.274G>C on transcript NM_006361.6 (MANE Select); coding-DNA position 274, G replaced by C.
Protein change: p.Val92Leu; replaces valine 92 with leucine.
Molecular consequence: missense variant.
Genome position (GRCh38, 1-based): chr17:48,728,320, C>G on the plus strand (G>C on the coding strand, the complement: HOXB13 is on the minus strand). VCF-style: chr17-48728320-C-G. GRCh37 (hg19) VCF-style: chr17-46805682-C-G.
Other names: short protein forms V92L.
Identifiers: ClinVar variation 1795543 (VCV001795543.5), dbSNP rs973452852, ClinGen allele CA400107787.